The following is an entry in ClinVar:

ClinVar aggregate classification (germline): Uncertain significance. Review status: criteria provided, multiple submitters, no conflicts (2 of 4 stars). 2 submissions from 2 submitters: Uncertain significance (2). Last evaluated 2025-09-28.

Conditions:
Inborn genetic diseases. Identifiers: MedGen C0950123, MeSH D030342.

Allele frequency attached by ClinVar (database versions not stated): gnomAD 0.00003; TOPMed 0.00002.
gnomAD v4.1: 28 of 1,613,870 alleles (0.0017%); highest among the groups gnomAD compares: African/African-American, 0.0027%; no homozygotes.

Submissions (2):

Ambry Genetics
Classification: Uncertain significance for Inborn genetic diseases. Last evaluated: 2025-09-28. Review status: criteria provided, single submitter. Criteria: Ambry Variant Classification Scheme 2023. Collection method: clinical testing. Allele origin: germline.

Labcorp Genetics (formerly Invitae), Labcorp
Classification: Uncertain significance. Last evaluated: 2022-07-26. Review status: criteria provided, single submitter. Criteria: Invitae Variant Classification Sherloc (09022015). Collection method: clinical testing. Allele origin: germline.
Comment: This variant has not been reported in the literature in individuals affected with TPI1-related conditions. In summary, the available evidence is currently insufficient to determine the role of this variant in disease. Therefore, it has been classified as a Variant of Uncertain Significance. Algorithms developed to predict the effect of missense changes on protein structure and function are either unavailable or do not agree on the potential impact of this missense change (SIFT: "Deleterious"; PolyPhen-2: "Probably Damaging"; Align-GVGD: "Class C0"). This variant is present in population databases (no rsID available, gnomAD 0.002%). This sequence change replaces arginine, which is basic and polar, with tryptophan, which is neutral and slightly polar, at codon 53 of the TPI1 protein (p.Arg53Trp).

NM_000365.6(TPI1):c.157C>T (p.Arg53Trp)

Gene: TPI1 (triosephosphate isomerase 1; plus strand). Cytogenetic location: 12p13.31.
Variant type: single nucleotide variant.
Coding change: c.157C>T on transcript NM_000365.6 (MANE Select); coding-DNA position 157, C replaced by T.
Protein change: p.Arg53Trp; replaces arginine 53 with tryptophan.
Molecular consequence: missense variant. On other transcripts: 5 prime UTR variant (1).
Genome position (GRCh38, 1-based): chr12:6,868,905, C>T. VCF-style: chr12-6868905-C-T. GRCh37 (hg19) VCF-style: chr12-6978069-C-T.
Other names: c.268C>T, p.Arg90Trp (NM_001159287.1); c.-90C>T (NM_001258026.2); c.157C>T (NM_000365.5); short protein forms R53W, R90W.
Identifiers: ClinVar variation 1939997 (VCV001939997.5), dbSNP rs1320909915, ClinGen allele CA383709527.